The following is an entry in ClinVar:

ClinVar aggregate classification (germline): Uncertain significance (1 of 4 stars; one submission).

gnomAD v4.1: 1 of 1,614,210 alleles (0.000062%); highest among the groups gnomAD compares: Non-Finnish European, 0.000085%; no homozygotes.

Submission:

Labcorp Genetics (formerly Invitae), Labcorp
Classification: Uncertain significance. Last evaluated: 2023-12-10. Review status: criteria provided, single submitter. Criteria: Invitae Variant Classification Sherloc (09022015). Collection method: clinical testing. Allele origin: germline.
Comment: This sequence change replaces glutamic acid, which is acidic and polar, with lysine, which is basic and polar, at codon 501 of the MYH3 protein (p.Glu501Lys). This variant is not present in population databases (gnomAD no frequency). This variant has not been reported in the literature in individuals affected with MYH3-related conditions. ClinVar contains an entry for this variant (Variation ID: 1383286). Advanced modeling of protein sequence and biophysical properties (such as structural, functional, and spatial information, amino acid conservation, physicochemical variation, residue mobility, and thermodynamic stability) has been performed at Invitae for this missense variant, however the output from this modeling did not meet the statistical confidence thresholds required to predict the impact of this variant on MYH3 protein function. In summary, the available evidence is currently insufficient to determine the role of this variant in disease. Therefore, it has been classified as a Variant of Uncertain Significance.

NM_002470.4(MYH3):c.1501G>A (p.Glu501Lys)

Gene: MYH3 (myosin heavy chain 3; minus strand). Cytogenetic location: 17p13.1.
Variant type: single nucleotide variant.
Coding change: c.1501G>A on transcript NM_002470.4 (MANE Select); coding-DNA position 1501, G replaced by A.
Protein change: p.Glu501Lys; replaces glutamic acid 501 with lysine.
Molecular consequence: missense variant.
Genome position (GRCh38, 1-based): chr17:10,642,906, C>T on the plus strand (G>A on the coding strand, the complement: MYH3 is on the minus strand). VCF-style: chr17-10642906-C-T. GRCh37 (hg19) VCF-style: chr17-10546223-C-T.
Other names: short protein forms E501K.
Identifiers: ClinVar variation 1383286 (VCV001383286.6), dbSNP rs1469787998, ClinGen allele CA398172800.